The following is an entry in ClinVar:

ClinVar aggregate classification (germline): Uncertain significance (1 of 4 stars; one submission).

Conditions:
Autosomal dominant nonsyndromic hearing loss 65. Also called: Deafness, autosomal dominant 65; TBC1D24-Related Autosomal Dominant Nonsyndromic Hearing Loss (DFNA). Identifiers: Orphanet 90635, MedGen C3892048, MONDO:0014470, OMIM 616044.
Developmental and epileptic encephalopathy, 1 (DEE1). Also called: INFANTILE SPASM SYNDROME, X-LINKED 1; X-linked infantile spasms; West's syndrome; Tonic spasms with clustering, arrest of psychomotor development and hypsarrhythmia on EEG; X-Linked Infantile Spasm Syndrome; OHTAHARA SYNDROME, X-LINKED. Identifiers: MedGen C3463992, MONDO:0010632, OMIM 308350. Disease mechanism: loss of function.

gnomAD v4.1: 1 of 1,612,574 alleles (0.000062%); highest among the groups gnomAD compares: African/African-American, 0.0013%; no homozygotes.

Submission:

Labcorp Genetics (formerly Invitae), Labcorp
Classification: Uncertain significance for Developmental and epileptic encephalopathy, 1; Autosomal dominant nonsyndromic hearing loss 65. Last evaluated: 2025-07-10. Review status: criteria provided, single submitter. Criteria: Invitae Variant Classification Sherloc (09022015). Collection method: clinical testing. Allele origin: germline.
Comment: This sequence change replaces arginine, which is basic and polar, with threonine, which is neutral and polar, at codon 167 of the TBC1D24 protein (p.Arg167Thr). This variant is not present in population databases (gnomAD no frequency). This variant has not been reported in the literature in individuals affected with TBC1D24-related conditions. ClinVar contains an entry for this variant (Variation ID: 3752347). Invitae Evidence Modeling of protein sequence and biophysical properties (such as structural, functional, and spatial information, amino acid conservation, physicochemical variation, residue mobility, and thermodynamic stability) indicates that this missense variant is not expected to disrupt TBC1D24 protein function with a negative predictive value of 80%. In summary, the available evidence is currently insufficient to determine the role of this variant in disease. Therefore, it has been classified as a Variant of Uncertain Significance.

NM_001199107.2(TBC1D24):c.500G>C (p.Arg167Thr)

Gene: TBC1D24 (TBC1 domain family member 24; plus strand). Cytogenetic location: 16p13.3.
Variant type: single nucleotide variant.
Coding change: c.500G>C on transcript NM_001199107.2 (MANE Select); coding-DNA position 500, G replaced by C.
Protein change: p.Arg167Thr; replaces arginine 167 with threonine.
Molecular consequence: missense variant.
Genome position (GRCh38, 1-based): chr16:2,496,648, G>C. VCF-style: chr16-2496648-G-C. GRCh37 (hg19) VCF-style: chr16-2546649-G-C.
Other names: c.500G>C, p.Arg167Thr (NM_020705.3); short protein forms R167T.
Identifiers: ClinVar variation 3752347 (VCV003752347.2).